The following is an entry in ClinVar:

ClinVar aggregate classification (germline): Likely benign (1 of 4 stars; one submission).

Conditions:
DICER1-related tumor predisposition. Also called: DICER1 syndrome; DICER1-related pleuropulmonary blastoma cancer predisposition syndrome. Identifiers: Orphanet 284343, MedGen C3839822, MONDO:0100216.

Submission:

Myriad Genetics, Inc.
Classification: Likely benign for DICER1-related tumor predisposition. Last evaluated: 2026-08-17. Review status: criteria provided, single submitter. Criteria: Myriad Autosomal Dominant, Autosomal Recessive and X-Linked Classification Criteria (2023). Collection method: clinical testing. Allele origin: unknown.
Comment: This variant is considered likely benign. This variant is intronic and is not expected to impact mRNA splicing.

NM_177438.3(DICER1):c.308-15T>C

Gene: DICER1 (dicer 1, ribonuclease III; minus strand). Cytogenetic location: 14q32.13.
Variant type: single nucleotide variant.
Coding change: c.308-15T>C on transcript NM_177438.3 (MANE Select); 15 bases into the intron before coding-DNA position 308, T replaced by C.
Molecular consequence: intron variant.
Genome position (GRCh38, 1-based): chr14:95,131,654, A>G on the plus strand (T>C on the coding strand, the complement: DICER1 is on the minus strand). VCF-style: chr14-95131654-A-G. GRCh37 (hg19) VCF-style: chr14-95597991-A-G.
Other names: c.308-15T>C (NM_001195573.1, NM_001395694.1, NM_001395693.1 and 14 more transcripts); c.33+861T>C (NM_001395696.1, NM_001395698.1, NM_001395690.1 and 3 more transcripts); c.34-23T>C (NM_001395686.1); c.-151-15T>C (NM_001395691.1); c.-1261-15T>C (NM_001395697.1).
Identifiers: ClinVar variation 5042126 (VCV005042126.1).